The following is an entry in ClinVar:

ClinVar aggregate classification (germline): Uncertain significance (1 of 4 stars; one submission).

Conditions:
Familial intrahepatic cholestasis. Identifiers: Orphanet 284385, MedGen CN296401, MONDO:0017290.
Low phospholipid associated cholelithiasis (GBD1). Also called: Gallbladder disease 1; Gallstone cholecystitis. Identifiers: Orphanet 69663, MedGen C2609268, MONDO:0010939, OMIM 600803.

Submission:

Genomenon, Inc
Classification: Uncertain significance for Familial intrahepatic cholestasis; Low phospholipid associated cholelithiasis. Last evaluated: 2026-04-14. Review status: criteria provided, single submitter. Criteria: Genomenon Sequence Variant Interpretation Standards - Updated. Collection method: curation. Allele origin: germline. Affected: no.
Comment: ABCB4 p.Ala344Gly (c.1031C>G) is a missense variant that changes the amino acid at residue 344 from Alanine to Glycine. This variant has been reported in the published literature (PMID:31335238). It is absent or not present at a significant frequency in gnomAD. In conclusion, we classify ABCB4 p.Ala344Gly (c.1031C>G) as a variant of uncertain significance.

Literature cited by the submitters: PubMed 31335238.

NM_000443.4(ABCB4):c.1031C>G (p.Ala344Gly)

Gene: ABCB4 (ATP binding cassette subfamily B member 4; minus strand). Cytogenetic location: 7q21.12.
Variant type: single nucleotide variant.
Coding change: c.1031C>G on transcript NM_000443.4 (MANE Select); coding-DNA position 1031, C replaced by G.
Protein change: p.Ala344Gly; replaces alanine 344 with glycine.
Molecular consequence: missense variant.
Genome position (GRCh38, 1-based): chr7:87,444,950, G>C on the plus strand (C>G on the coding strand, the complement: ABCB4 is on the minus strand). VCF-style: chr7-87444950-G-C. GRCh37 (hg19) VCF-style: chr7-87074266-G-C.
Other names: c.1031C>G, p.Ala344Gly (NM_018849.3, NM_018850.3); short protein forms A344G.
Identifiers: ClinVar variation 4846395 (VCV004846395.1).